The following is an entry in ClinVar:

ClinVar aggregate classification (germline): Uncertain significance (1 of 4 stars; one submission).

Conditions:
Brachyolmia-amelogenesis imperfecta syndrome. Also called: Tooth agenesis, selective, 6; Dental anomalies and short stature; PLATYSPONDYLY WITH AMELOGENESIS IMPERFECTA. Identifiers: Orphanet 2899, MedGen C1832594, MONDO:0011018, OMIM 601216. Disease mechanism: loss of function.

Allele frequency attached by ClinVar (database versions not stated): gnomAD 0.00001; TOPMed 0.00002; ExAC 0.00007; gnomAD exomes 0.00007.
gnomAD v4.1: 99 of 1,613,586 alleles (0.0061%); highest among the groups gnomAD compares: East Asian, 0.21%; no homozygotes.

Submission:

Labcorp Genetics (formerly Invitae), Labcorp
Classification: Uncertain significance for Brachyolmia-amelogenesis imperfecta syndrome. Last evaluated: 2024-10-27. Review status: criteria provided, single submitter. Criteria: Invitae Variant Classification Sherloc (09022015). Collection method: clinical testing. Allele origin: germline.
Comment: This sequence change replaces threonine, which is neutral and polar, with alanine, which is neutral and non-polar, at codon 530 of the LTBP3 protein (p.Thr530Ala). This variant is present in population databases (rs778882357, gnomAD 0.03%). This missense change has been observed in individual(s) with aortic dissection (PMID: 34906192). An algorithm developed to predict the effect of missense changes on protein structure and function (PolyPhen-2) suggests that this variant is likely to be tolerated. In summary, the available evidence is currently insufficient to determine the role of this variant in disease. Therefore, it has been classified as a Variant of Uncertain Significance.

Literature cited by the submitters: PubMed 34906192.

NM_001130144.3(LTBP3):c.1588A>G (p.Thr530Ala)

Gene: LTBP3 (latent transforming growth factor beta binding protein 3; minus strand). Cytogenetic location: 11q13.1.
Variant type: single nucleotide variant.
Coding change: c.1588A>G on transcript NM_001130144.3 (MANE Select); coding-DNA position 1588, A replaced by G.
Protein change: p.Thr530Ala; replaces threonine 530 with alanine.
Molecular consequence: missense variant.
Genome position (GRCh38, 1-based): chr11:65,551,435, T>C on the plus strand (A>G on the coding strand, the complement: LTBP3 is on the minus strand). VCF-style: chr11-65551435-T-C. GRCh37 (hg19) VCF-style: chr11-65318906-T-C.
Other names: c.1237A>G, p.Thr413Ala (NM_001164266.1); c.1588A>G, p.Thr530Ala (NM_021070.4); short protein forms T530A, T413A.
Identifiers: ClinVar variation 2714941 (VCV002714941.3), dbSNP rs778882357, ClinGen allele CA6100923.